The following is an entry in ClinVar:

ClinVar aggregate classification (germline): Uncertain significance (1 of 4 stars; one submission).

Submission:

Labcorp Genetics (formerly Invitae), Labcorp
Classification: Uncertain significance. Last evaluated: 2023-12-18. Review status: criteria provided, single submitter. Criteria: Invitae Variant Classification Sherloc (09022015). Collection method: clinical testing. Allele origin: germline.
Comment: This variant occurs in a non-coding region of the EYS gene. It does not change the encoded amino acid sequence of the EYS protein. This variant is not present in population databases (gnomAD no frequency). This variant has not been reported in the literature in individuals affected with EYS-related conditions. In summary, the available evidence is currently insufficient to determine the role of this variant in disease. Therefore, it has been classified as a Variant of Uncertain Significance.

NM_001142800.2(EYS):c.-347A>C

Gene: EYS (EGF-like photoreceptor maintenance factor; minus strand). Cytogenetic location: 6q12.
Variant type: single nucleotide variant.
Coding change: c.-347A>C on transcript NM_001142800.2 (MANE Select); 347 bases upstream of the start codon, A replaced by C.
Molecular consequence: 5 prime UTR variant.
Genome position (GRCh38, 1-based): chr6:65,639,792, T>G on the plus strand (A>C on the coding strand, the complement: EYS is on the minus strand). VCF-style: chr6-65639792-T-G. GRCh37 (hg19) VCF-style: chr6-66349685-T-G.
Other names: c.-347A>C (NM_001142801.2, NM_001292009.2).
Identifiers: ClinVar variation 2800150 (VCV002800150.3), dbSNP rs1358024271, ClinGen allele CA2739273189.